The following is an entry in ClinVar:

ClinVar aggregate classification (germline): Uncertain significance. Review status: criteria provided, multiple submitters, no conflicts (2 of 4 stars). 2 submissions from 2 submitters: Uncertain significance (2). Last evaluated 2025-05-23.

Conditions:
Hereditary cancer-predisposing syndrome. Also called: Hereditary Cancer Syndrome; Tumor predisposition; Hereditary neoplastic syndrome; Neoplastic Syndromes, Hereditary. Identifiers: Orphanet 140162, MedGen C0027672, MeSH D009386, MONDO:0015356.
Multiple endocrine neoplasia, type 1 (MEN1). Also called: WERMER SYNDROME; Endocrine adenomatosis multiple; MEN 1; MEN I; MEA I. Identifiers: Orphanet 652, MedGen C0025267, MeSH D018761, MONDO:0007540, OMIM 131100.

Submissions (2):

Ambry Genetics
Classification: Uncertain significance for Hereditary cancer-predisposing syndrome. Last evaluated: 2025-05-23. Review status: criteria provided, single submitter. Criteria: Ambry Variant Classification Scheme 2023. Collection method: clinical testing. Allele origin: germline.
Comment: The p.L89F variant (also known as c.265C>T), located in coding exon 1 of the MEN1 gene, results from a C to T substitution at nucleotide position 265. The leucine at codon 89 is replaced by phenylalanine, an amino acid with highly similar properties. This amino acid position is highly conserved in available vertebrate species. In addition, this alteration is predicted to be deleterious by in silico analysis. Based on the available evidence, the clinical significance of this variant remains unclear.

Labcorp Genetics (formerly Invitae), Labcorp
Classification: Uncertain significance for Multiple endocrine neoplasia, type 1. Last evaluated: 2025-02-25. Review status: criteria provided, single submitter. Criteria: Invitae Variant Classification Sherloc (09022015). Collection method: clinical testing. Allele origin: germline.
Comment: This sequence change replaces leucine, which is neutral and non-polar, with phenylalanine, which is neutral and non-polar, at codon 89 of the MEN1 protein (p.Leu89Phe). This variant is not present in population databases (gnomAD no frequency). This variant has not been reported in the literature in individuals affected with MEN1-related conditions. ClinVar contains an entry for this variant (Variation ID: 2000861). Invitae Evidence Modeling of protein sequence and biophysical properties (such as structural, functional, and spatial information, amino acid conservation, physicochemical variation, residue mobility, and thermodynamic stability) indicates that this missense variant is expected to disrupt MEN1 protein function with a positive predictive value of 95%. In summary, the available evidence is currently insufficient to determine the role of this variant in disease. Therefore, it has been classified as a Variant of Uncertain Significance.

NM_001370259.2(MEN1):c.265C>T (p.Leu89Phe)

Gene: MEN1 (menin 1; minus strand). Cytogenetic location: 11q13.1.
Variant type: single nucleotide variant.
Coding change: c.265C>T on transcript NM_001370259.2 (MANE Select); coding-DNA position 265, C replaced by T.
Protein change: p.Leu89Phe; replaces leucine 89 with phenylalanine.
Molecular consequence: missense variant.
Genome position (GRCh38, 1-based): chr11:64,809,845, G>A on the plus strand (C>T on the coding strand, the complement: MEN1 is on the minus strand). VCF-style: chr11-64809845-G-A. GRCh37 (hg19) VCF-style: chr11-64577317-G-A.
Other names: c.265C>T, p.Leu89Phe (NM_000244.4, NM_001370251.2, NM_001370260.2 and 20 more transcripts); short protein forms L89F.
Identifiers: ClinVar variation 2000861 (VCV002000861.7), dbSNP rs2136187189, ClinGen allele CA381187526.